The following is an entry in ClinVar:

ClinVar aggregate classification (germline): Uncertain significance. Review status: criteria provided, multiple submitters, no conflicts (2 of 4 stars). 2 submissions from 2 submitters: Uncertain significance (2). Last evaluated 2023-11-15.

Conditions:
Leukocyte adhesion deficiency type II. Also called: Congenital disorder of glycosylation type 2C; CDG 2C; CONGENITAL DISORDER OF GLYCOSYLATION, TYPE IIc; Leukocyte adhesion deficiency type 2; Rambam Hasharon syndrome; CDG IIc. Identifiers: Orphanet 2968, Orphanet 99843, MedGen C0398739, MONDO:0009953, OMIM 266265.

Allele frequency attached by ClinVar (database versions not stated): gnomAD 0.00001.
gnomAD v4.1: 6 of 1,556,234 alleles (0.00039%); highest among the groups gnomAD compares: African/African-American, 0.0014%; no homozygotes.

Submissions (2):

GeneDx
Classification: Uncertain significance. Last evaluated: 2023-11-15. Review status: criteria provided, single submitter. Criteria: GeneDx Variant Classification Process June 2021. Collection method: clinical testing. Allele origin: germline. Affected: yes.
Comment: Not observed at significant frequency in large population cohorts (gnomAD); In silico analysis supports that this missense variant does not alter protein structure/function; Has not been previously published as pathogenic or benign to our knowledge

Labcorp Genetics (formerly Invitae), Labcorp
Classification: Uncertain significance for Leukocyte adhesion deficiency type II. Last evaluated: 2022-08-15. Review status: criteria provided, single submitter. Criteria: Invitae Variant Classification Sherloc (09022015). Collection method: clinical testing. Allele origin: germline.
Comment: In summary, the available evidence is currently insufficient to determine the role of this variant in disease. Therefore, it has been classified as a Variant of Uncertain Significance. Algorithms developed to predict the effect of missense changes on protein structure and function output the following: SIFT: "Tolerated"; PolyPhen-2: "Benign"; Align-GVGD: "Class C0". The aspartic acid amino acid residue is found in multiple mammalian species, which suggests that this missense change does not adversely affect protein function. ClinVar contains an entry for this variant (Variation ID: 1402448). This variant has not been reported in the literature in individuals affected with SLC35C1-related conditions. This variant is present in population databases (no rsID available, gnomAD 0.01%). This sequence change replaces glutamic acid, which is acidic and polar, with aspartic acid, which is acidic and polar, at codon 351 of the SLC35C1 protein (p.Glu351Asp).

NM_018389.5(SLC35C1):c.1053G>T (p.Glu351Asp)

Gene: SLC35C1 (solute carrier family 35 member C1; plus strand). Cytogenetic location: 11p11.2.
Variant type: single nucleotide variant.
Coding change: c.1053G>T on transcript NM_018389.5 (MANE Select); coding-DNA position 1053, G replaced by T.
Protein change: p.Glu351Asp; replaces glutamic acid 351 with aspartic acid.
Molecular consequence: missense variant.
Genome position (GRCh38, 1-based): chr11:45,811,293, G>T. VCF-style: chr11-45811293-G-T. GRCh37 (hg19) VCF-style: chr11-45832844-G-T.
Other names: c.1014G>T, p.Glu338Asp (NM_001145265.2, NM_001145266.2); short protein forms E338D, E351D.
Identifiers: ClinVar variation 1402448 (VCV001402448.6), dbSNP rs764451718, ClinGen allele CA380207409.